The following is an entry in ClinVar:

NM_001385641.1(SAMD11):c.1411G>T (p.Ala471Ser)

Gene: SAMD11 (sterile alpha motif domain containing 11; plus strand). Cytogenetic location: 1p36.33.
Variant type: single nucleotide variant.
Coding change: c.1411G>T on transcript NM_001385641.1 (MANE Select); coding-DNA position 1411, G replaced by T.
Protein change: p.Ala471Ser; replaces alanine 471 with serine.
Molecular consequence: missense variant.
Genome position (GRCh38, 1-based): chr1:942,188, G>T. VCF-style: chr1-942188-G-T. GRCh37 (hg19) VCF-style: chr1-877568-G-T.
Other names: c.1414G>T, p.Ala472Ser (NM_001385640.1); c.922G>T, p.Ala308Ser (NM_152486.4); short protein forms A308S, A471S, A472S.
Identifiers: ClinVar variation 2049601 (VCV002049601.4), dbSNP rs2100356352, ClinGen allele CA337806553.
Genomic context (GRCh38, chr1:942,188, plus strand): 5'-GTCCACAGGGAGCTGCCTCAGCCGCCCCCCTTGCTGTCGCCGCAGAATGCCCCTCACGTC[G>T]CCCTGGGCCCCCATCTCAGGCCCCCCTTCCTGGGGGTGCCCTCGGCTCTGTGCCAGACCC-3'
Protein context (NP_001372570.1, residues 461-481): LLSPQNAPHV[Ala471Ser]LGPHLRPPFL

ClinVar aggregate classification (germline): Uncertain significance (1 of 4 stars; one submission).

Submission:

Labcorp Genetics (formerly Invitae), Labcorp
Classification: Uncertain significance. Last evaluated: 2022-06-15. Review status: criteria provided, single submitter. Criteria: Invitae Variant Classification Sherloc (09022015). Collection method: clinical testing. Allele origin: germline.
Comment: This variant has not been reported in the literature in individuals affected with SAMD11-related conditions. In summary, the available evidence is currently insufficient to determine the role of this variant in disease. Therefore, it has been classified as a Variant of Uncertain Significance. Algorithms developed to predict the effect of missense changes on protein structure and function are either unavailable or do not agree on the potential impact of this missense change (SIFT: "Tolerated"; PolyPhen-2: "Possibly Damaging"; Align-GVGD: "Class C0"). This variant is not present in population databases (gnomAD no frequency). This sequence change replaces alanine, which is neutral and non-polar, with serine, which is neutral and polar, at codon 308 of the SAMD11 protein (p.Ala308Ser).